The following continues an entry in ClinVar:

NM_000051.4(ATM):c.610G>A (p.Gly204Arg)

Gene: ATM. ClinVar aggregate classification (germline): Conflicting classifications of pathogenicity. Uncertain significance (20); Likely benign (5).

Submissions 15 to 27 of 27:

Myriad Genetics, Inc.
Classification: Likely benign for Familial cancer of breast. Last evaluated: 2023-08-17. Review status: criteria provided, single submitter. Criteria: Myriad Autosomal Dominant, Autosomal Recessive and X-Linked Classification Criteria (2023). Collection method: clinical testing. Allele origin: unknown.
Comment: This variant is considered likely benign. This variant is strongly associated with less severe personal and family histories of cancer, typical for individuals without pathogenic variants in this gene [PMID: 25085752].

Athena Diagnostics
Classification: Uncertain significance. Last evaluated: 2023-04-18. Review status: criteria provided, single submitter. Criteria: Athena Diagnostics Criteria. Collection method: clinical testing. Allele origin: unknown.
Comment: Available data are insufficient to determine the clinical significance of the variant at this time. The frequency of this variant in the general population is uninformative in assessment of its pathogenicity. Computational tools disagree on the variant's effect on normal protein function.

Institute for Biomarker Research, Medical Diagnostic Laboratories, L.L.C.
Classification: Uncertain significance for Hereditary cancer-predisposing syndrome. Last evaluated: 2023-03-30. Review status: criteria provided, single submitter. Criteria: ACMG Guidelines, 2015. Collection method: clinical testing. Allele origin: germline.

Blueprint Genetics
Classification: Uncertain significance. Last evaluated: 2023-02-14. Review status: criteria provided, single submitter. Criteria: ACMG Guidelines, 2015. Collection method: clinical testing. Allele origin: germline.

CHEO Genetics Diagnostic Laboratory, Children's Hospital of Eastern Ontario
Classification: Uncertain significance for Breast and/or ovarian cancer. Last evaluated: 2022-11-23. Review status: criteria provided, single submitter. Criteria: ACMG Guidelines, 2015. Collection method: clinical testing. Allele origin: germline.

Sema4
Classification: Uncertain significance for Hereditary cancer-predisposing syndrome. Last evaluated: 2021-08-23. Review status: criteria provided, single submitter. Criteria: Sema4 Curation Guidelines. Collection method: curation. Allele origin: germline.
Comment: The ATM c.610G>A (p.G204R) variant has been reported in multiple individuals with a personal and/or family history of breast or ovarian cancer (PMID: 29470806, 20305132, 25186627, 29522266, 30306255, 34204722, 33471991, 28779002), and has also been reported in healthy controls (PMID: 30303537, 33471991, 28779002, 28652578). It has also been identified in patients with rhabdomyosarcoma, leukemia, or prostate cancer (PMID: 26580448, 26837699, 28652578, 33436325). It was observed in 8/35374 chromosomes of the Latino subpopulation, with no homozygotes, in the large and broad cohorts of the Genome Aggregation Database (PMID: 32461654). The variant has been reported in ClinVar (Variation ID 127419). Functional studies have not been performed, and in silico predictions of the variant's effect on protein function are inconclusive. The evidence is insufficient to meet ACMG/AMP criteria for classifying the variant as benign or pathogenic. Thus, the clinical significance of this variant is currently uncertain.

Department of Pathology and Laboratory Medicine, Sinai Health System
Classification: Uncertain significance for Familial colorectal cancer type X. Last evaluated: 2021-05-17. Review status: criteria provided, single submitter. Criteria: ACMG Guidelines, 2015. Collection method: clinical testing. Allele origin: germline. Affected: yes.

Fulgent Genetics
Classification: Uncertain significance for Familial cancer of breast; Ataxia-telangiectasia syndrome. Last evaluated: 2018-10-31. Review status: criteria provided, single submitter. Criteria: ACMG Guidelines, 2015. Collection method: clinical testing. Allele origin: unknown.

Eurofins Ntd Llc (ga)
Classification: Uncertain significance. Last evaluated: 2018-06-11. Review status: criteria provided, single submitter. Criteria: EGL ClinVar v180209 classification definitions. Collection method: clinical testing. Allele origin: germline. Observed: 1 variant allele, 1 heterozygote.

CeGaT Center for Human Genetics Tuebingen
Classification: Uncertain significance. Last evaluated: 2017-12-01. Review status: criteria provided, single submitter. Criteria: CeGaT Center For Human Genetics Tuebingen Variant Classification Criteria Version 2. Collection method: clinical testing. Allele origin: germline. Affected: yes. Observed: 1 variant allele.

Illumina Laboratory Services, Illumina
Classification: Uncertain significance for Ataxia-telangiectasia syndrome. Last evaluated: 2017-04-28. Review status: criteria provided, single submitter. Criteria: ICSL Variant Classification Criteria 13 December 2019. Collection method: clinical testing. Allele origin: germline.

Joint Genome Diagnostic Labs from Nijmegen and Maastricht, Radboudumc and MUMC+
Classification: Uncertain significance. Review status: no assertion criteria provided. Collection method: clinical testing. Allele origin: germline. Affected: yes. Study: VKGL Data-share Consensus. Not counted in ClinVar's aggregate classification.

Laboratory of Diagnostic Genome Analysis, Leiden University Medical Center (LUMC)
Classification: Uncertain significance. Review status: no assertion criteria provided. Collection method: clinical testing. Allele origin: germline. Affected: yes. Study: VKGL Data-share Consensus. Not counted in ClinVar's aggregate classification.

Literature cited by the submitters: PubMed 20305132 (cited by 5 submitters); PubMed 25186627 (cited by 5 submitters); PubMed 27720647 (cited by Women's Health and Genetics/Laboratory Corporation of America, LabCorp and Athena Diagnostics); PubMed 26580448 (cited by 5 submitters); PubMed 28779002 (cited by 5 submitters); PubMed 28652578 (cited by 5 submitters); PubMed 26837699 (cited by 5 submitters); PubMed 29522266 (cited by 6 submitters); PubMed 30306255 (cited by 3 submitters); PubMed 29470806 (cited by 6 submitters); PubMed 30303537 (cited by 3 submitters); PubMed 33471991 (cited by 5 submitters); PubMed 33436325 (cited by 4 submitters); PubMed 34204722 (cited by 4 submitters); PubMed 36685941 (cited by Women's Health and Genetics/Laboratory Corporation of America, LabCorp); PubMed 37762649 (cited by Women's Health and Genetics/Laboratory Corporation of America, LabCorp); PubMed 31206626 (cited by Ambry Genetics and Athena Diagnostics); PubMed 34250389 (cited by Ambry Genetics); PubMed 34326862 (cited by Mayo Clinic Laboratories, Mayo Clinic); PubMed 35451682 (cited by Mayo Clinic Laboratories, Mayo Clinic); PubMed 25085752 (cited by Myriad Genetics, Inc.).